The following is an entry in ClinVar:

NM_001360.3(DHCR7):c.626+6T>A

Gene: DHCR7 (7-dehydrocholesterol reductase; minus strand). Cytogenetic location: 11q13.4.
Variant type: single nucleotide variant.
Coding change: c.626+6T>A on transcript NM_001360.3 (MANE Select); 6 bases into the intron after coding-DNA position 626, T replaced by A.
Molecular consequence: intron variant.
Genome position (GRCh38, 1-based): chr11:71,441,221, A>T on the plus strand (T>A on the coding strand, the complement: DHCR7 is on the minus strand). VCF-style: chr11-71441221-A-T. GRCh37 (hg19) VCF-style: chr11-71152267-A-T.
Other names: c.626+6T>A (NM_001425120.1, NM_001425109.1, NM_001163817.2 and 7 more transcripts); c.530+6T>A (NM_001425114.1, NM_001425116.1); c.566+6T>A (NM_001425113.1); c.662+6T>A (NM_001425108.1); c.452+6T>A (NM_001425117.1).
Identifiers: ClinVar variation 3346058 (VCV003346058.1).

ClinVar aggregate classification (germline): Likely benign (0 of 4 stars; one submission).

Conditions:
DHCR7-related disorder. Also called: DHCR7-related condition.

Submission:

PreventionGenetics, part of Exact Sciences
Classification: Likely benign for DHCR7-related condition. Last evaluated: 2024-09-26. Review status: no assertion criteria provided. Collection method: clinical testing. Allele origin: germline.
Comment: This variant is classified as likely benign based on ACMG/AMP sequence variant interpretation guidelines (Richards et al. 2015 PMID: 25741868, with internal and published modifications).